The following is an entry in ClinVar:

NM_003587.5(DHX16):c.1706T>A (p.Val569Glu)

Gene: DHX16 (DEAH-box helicase 16; minus strand). Cytogenetic location: 6p21.33.
Variant type: single nucleotide variant.
Coding change: c.1706T>A on transcript NM_003587.5 (MANE Select); coding-DNA position 1706, T replaced by A.
Protein change: p.Val569Glu; replaces valine 569 with glutamic acid.
Molecular consequence: missense variant.
Genome position (GRCh38, 1-based): chr6:30,660,081, A>T on the plus strand (T>A on the coding strand, the complement: DHX16 is on the minus strand). VCF-style: chr6-30660081-A-T. GRCh37 (hg19) VCF-style: chr6-30627858-A-T.
Other names: c.1526T>A, p.Val509Glu (NM_001164239.2); c.263T>A, p.Val88Glu (NM_001363515.2); short protein forms V509E, V569E, V88E.
Identifiers: ClinVar variation 3371694 (VCV003371694.1).

ClinVar aggregate classification (germline): Uncertain significance (1 of 4 stars; one submission).

Submission:

GeneDx
Classification: Uncertain significance. Last evaluated: 2024-03-26. Review status: criteria provided, single submitter. Criteria: GeneDx Variant Classification Process June 2021. Collection method: clinical testing. Allele origin: germline. Affected: yes.
Comment: Not observed at significant frequency in large population cohorts (gnomAD); In silico analysis supports that this missense variant has a deleterious effect on protein structure/function; Has not been previously published as pathogenic or benign to our knowledge